The following is an entry in ClinVar:

NM_144599.5(NIPA1):c.*287T>C

Gene: NIPA1 (NIPA magnesium transporter 1; plus strand). Cytogenetic location: 15q11.2.
Variant type: single nucleotide variant.
Coding change: c.*287T>C on transcript NM_144599.5 (MANE Select); 287 bases downstream of the stop codon, T replaced by C.
Molecular consequence: 3 prime UTR variant.
Genome position (GRCh38, 1-based): chr15:22,824,526, T>C. VCF-style: chr15-22824526-T-C. GRCh37 (hg19) VCF-style: chr15-23048542-A-G.
Other names: c.*287T>C (NM_001142275.1).
Identifiers: ClinVar variation 315417 (VCV000315417.7), dbSNP rs3812924, ClinGen allele CA10635680.

ClinVar aggregate classification (germline): Benign. Review status: criteria provided, multiple submitters, no conflicts (2 of 4 stars). 3 submissions from 3 submitters: Benign (3). Last evaluated 2018-06-14.

Conditions:
Hereditary spastic paraplegia 6 (SPG6). Also called: SPASTIC PARAPLEGIA 6, AUTOSOMAL DOMINANT. Identifiers: Orphanet 100988, MedGen C1838192, MONDO:0010878, OMIM 600363.

Allele frequency attached by ClinVar (database versions not stated): 1000 Genomes Project 30x 0.18894; 1000 Genomes Project 0.18930; TOPMed 0.21706; gnomAD 0.22372 and 0.22678; gnomAD exomes 0.29345.
gnomAD v4.1: 109,157 of 405,816 alleles (27%); highest among the groups gnomAD compares: Non-Finnish European, 32%; 16,637 homozygotes.

Submissions (3):

GeneDx
Classification: Benign. Last evaluated: 2018-06-14. Review status: criteria provided, single submitter. Criteria: GeneDx Variant Classification Process June 2021. Collection method: clinical testing. Allele origin: germline. Affected: yes.

Illumina Laboratory Services, Illumina
Classification: Benign for Hereditary spastic paraplegia 6. Last evaluated: 2018-01-13. Review status: criteria provided, single submitter. Criteria: ICSL Variant Classification Criteria 13 December 2019. Collection method: clinical testing. Allele origin: germline.
Comment: This variant was observed in the ICSL laboratory as part of a predisposition screen in an ostensibly healthy population. It had not been previously curated by ICSL or reported in the Human Gene Mutation Database (HGMD: prior to June 1st, 2018), and was therefore a candidate for classification through an automated scoring system. Utilizing variant allele frequency, disease prevalence and penetrance estimates, and inheritance mode, an automated score was calculated to assess if this variant is too frequent to cause the disease. Based on the score and internal cut-off values, a variant classified as benign is not then subjected to further curation. The score for this variant resulted in a classification of benign for this disease.

Breakthrough Genomics
Classification: Benign. Review status: criteria provided, single submitter. Criteria: ACMG Guidelines, 2015. Collection method: not provided. Allele origin: germline. Inheritance: Autosomal dominant inheritance. Affected: yes.